The following is an entry in ClinVar:

NM_002439.5(MSH3):c.2687G>C (p.Gly896Ala)

Gene: MSH3 (mutS homolog 3; plus strand). Cytogenetic location: 5q14.1.
Variant type: single nucleotide variant.
Coding change: c.2687G>C on transcript NM_002439.5 (MANE Select); coding-DNA position 2687, G replaced by C.
Protein change: p.Gly896Ala; replaces glycine 896 with alanine.
Molecular consequence: missense variant.
Genome position (GRCh38, 1-based): chr5:80,813,615, G>C. VCF-style: chr5-80813615-G-C. GRCh37 (hg19) VCF-style: chr5-80109434-G-C.
Other names: short protein forms G896A.
Identifiers: ClinVar variation 1794743 (VCV001794743.2), dbSNP rs2546797299, ClinGen allele CA360273868.

ClinVar aggregate classification (germline): Uncertain significance (1 of 4 stars; one submission).

Conditions:
Hereditary cancer-predisposing syndrome. Also called: Tumor predisposition; Hereditary Cancer Syndrome; Neoplastic Syndromes, Hereditary; Hereditary neoplastic syndrome. Identifiers: Orphanet 140162, MedGen C0027672, MeSH D009386, MONDO:0015356.

Submission:

Ambry Genetics
Classification: Uncertain significance for Hereditary cancer-predisposing syndrome. Last evaluated: 2022-09-28. Review status: criteria provided, single submitter. Criteria: Ambry Variant Classification Scheme 2023. Collection method: clinical testing. Allele origin: germline.
Comment: The p.G896A variant (also known as c.2687G>C), located in coding exon 20 of the MSH3 gene, results from a G to C substitution at nucleotide position 2687. The glycine at codon 896 is replaced by alanine, an amino acid with similar properties. This amino acid position is conserved. In addition, this alteration is predicted to be deleterious by in silico analysis. Since supporting evidence is limited at this time, the clinical significance of this alteration remains unclear.